The following is an entry in ClinVar:

ClinVar aggregate classification (germline): Benign/Likely benign. Review status: criteria provided, multiple submitters, no conflicts (2 of 4 stars). 12 submissions from 12 submitters: Benign (6); Likely benign (5). 1 of the submissions does not count toward it. Last evaluated 2026-02-02.

Conditions:
Ataxia-telangiectasia-like disorder (ATLD). Identifiers: MedGen C1858391, MONDO:0011457.
Hereditary cancer-predisposing syndrome. Also called: Tumor predisposition; Neoplastic Syndromes, Hereditary; Hereditary Cancer Syndrome; Hereditary neoplastic syndrome. Identifiers: Orphanet 140162, MedGen C0027672, MeSH D009386, MONDO:0015356.
Ataxia-telangiectasia-like disorder 1 (ATLD1). Identifiers: Orphanet 251347, MedGen C4012790, MONDO:0024557, OMIM 604391.

Allele frequency attached by ClinVar (database versions not stated): gnomAD exomes 0.00020 and 0.00069; ExAC 0.00085; gnomAD 0.00245 and 0.00258; TOPMed 0.00286; ESP Exome Variant Server 0.00300; 1000 Genomes Project 0.00439; 1000 Genomes Project 30x 0.00500.
gnomAD v4.1: 692 of 1,613,250 alleles (0.043%); highest among the groups gnomAD compares: African/African-American, 0.8%; 2 homozygotes.

Submissions (12):

Labcorp Genetics (formerly Invitae), Labcorp
Classification: Benign for Ataxia-telangiectasia-like disorder. Last evaluated: 2026-02-02. Review status: criteria provided, single submitter. Criteria: Invitae Variant Classification Sherloc (09022015). Collection method: clinical testing. Allele origin: germline.

CeGaT Center for Human Genetics Tuebingen
Classification: Likely benign. Last evaluated: 2026-01-01. Review status: criteria provided, single submitter. Criteria: CeGaT Center For Human Genetics Tuebingen Variant Classification Criteria Version 2. Collection method: clinical testing. Allele origin: germline. Affected: yes. Observed: 2 variant alleles.
Comment: MRE11: BP4, BP7

Quest Diagnostics Nichols Institute San Juan Capistrano
Classification: Benign. Last evaluated: 2025-09-11. Review status: criteria provided, single submitter. Criteria: Quest Diagnostics criteria. Collection method: clinical testing. Allele origin: unknown.

Blueprint Genetics
Classification: Likely benign. Last evaluated: 2024-11-25. Review status: criteria provided, single submitter. Criteria: ACMG Guidelines, 2015. Collection method: clinical testing. Allele origin: germline.

Sema4
Classification: Likely benign for Hereditary cancer-predisposing syndrome. Last evaluated: 2021-05-02. Review status: criteria provided, single submitter. Criteria: Sema4 Curation Guidelines. Collection method: curation. Allele origin: germline.

Women's Health and Genetics/Laboratory Corporation of America, LabCorp
Classification: Benign. Last evaluated: 2018-06-22. Review status: criteria provided, single submitter. Criteria: LabCorp Variant Classification Summary - May 2015. Collection method: clinical testing. Allele origin: germline.
Comment: Variant summary: MRE11A c.969A>G alters a non-conserved nucleotide resulting in a synonymous change. 5/5 computational tools predict no significant impact on normal splicing. However, these predictions have yet to be confirmed by functional studies. The variant allele was found at a frequency of 0.00088 in 276836 control chromosomes, predominantly at a frequency of 0.0094 within the African subpopulation in the gnomAD database, including 1 homozygotes. The observed variant frequency within African control individuals in the gnomAD database is approximately 150-folds higher than the estimated maximal expected allele frequency for a pathogenic variant in MRE11A causing Hereditary Breast and Ovarian Cancer phenotype (6.3e-05), strongly suggesting that the variant is a benign polymorphism found primarily in populations of African origin. To our knowledge, no occurrence of c.969A>G in individuals affected with Hereditary Breast and Ovarian Cancer and no experimental evidence demonstrating its impact on protein function have been reported. Two ClinVar submissions from clinical diagnostic laboratories (evaluation after 2014) cite the variant as "likely benign/benign." Based on the evidence outlined above, the variant was classified as benign.

Eurofins Ntd Llc (ga)
Classification: Benign. Last evaluated: 2018-03-06. Review status: criteria provided, single submitter. Criteria: EGL ClinVar v180209 classification definitions. Collection method: clinical testing. Allele origin: germline. Observed: 2 variant alleles, 2 heterozygotes.

Athena Diagnostics
Classification: Benign. Last evaluated: 2017-10-25. Review status: criteria provided, single submitter. Criteria: Athena Diagnostics Criteria. Collection method: clinical testing. Allele origin: germline.

Ambry Genetics
Classification: Likely benign for Hereditary cancer-predisposing syndrome. Last evaluated: 2014-07-25. Review status: criteria provided, single submitter. Criteria: Ambry Variant Classification Scheme 2023. Collection method: clinical testing. Allele origin: germline.

GeneDx
Classification: Benign. Last evaluated: 2014-01-24. Review status: criteria provided, single submitter. Criteria: GeneDx Variant Classification (06012015). Collection method: clinical testing. Allele origin: germline. Affected: yes.
Comment: This variant is considered likely benign or benign based on one or more of the following criteria: it is a conservative change, it occurs at a poorly conserved position in the protein, it is predicted to be benign by multiple in silico algorithms, and/or has population frequency not consistent with disease.

Breakthrough Genomics
Classification: Likely benign. Review status: criteria provided, single submitter. Criteria: ACMG Guidelines, 2015. Collection method: not provided. Allele origin: germline. Inheritance: Autosomal recessive inheritance. Affected: yes.

Counsyl
Classification: Likely benign for Ataxia-telangiectasia-like disorder 1. Last evaluated: 2016-09-27. Review status: no assertion criteria provided. Collection method: clinical testing. Allele origin: unknown. Not counted in ClinVar's aggregate classification.

NM_005591.4(MRE11):c.969A>G (p.Pro323=)

Gene: MRE11 (MRE11 double strand break repair nuclease; minus strand). Cytogenetic location: 11q21.
Variant type: single nucleotide variant.
Coding change: c.969A>G on transcript NM_005591.4 (MANE Select); coding-DNA position 969, A replaced by G.
Protein change: p.Pro323=; no amino-acid change (proline 323 retained).
Molecular consequence: synonymous variant.
Genome position (GRCh38, 1-based): chr11:94,470,519, T>C on the plus strand (A>G on the coding strand, the complement: MRE11 is on the minus strand). VCF-style: chr11-94470519-T-C. GRCh37 (hg19) VCF-style: chr11-94203685-T-C.
Other names: p.P323P:CCA>CCG; c.969A>G, p.Pro323= (NM_001330347.2, NM_005590.4).
Identifiers: ClinVar variation 182551 (VCV000182551.35), dbSNP rs13447633, ClinGen allele CA333741.